The following is an entry in ClinVar:

ClinVar aggregate classification (germline): Uncertain significance (1 of 4 stars; one submission).

Conditions:
Multiple endocrine neoplasia, type 2 (MEN2). Identifiers: Orphanet 653, MedGen C4048306, MONDO:0019003. Disease mechanism: gain of function.

Submission:

Labcorp Genetics (formerly Invitae), Labcorp
Classification: Uncertain significance for Multiple endocrine neoplasia, type 2. Last evaluated: 2022-08-05. Review status: criteria provided, single submitter. Criteria: Invitae Variant Classification Sherloc (09022015). Collection method: clinical testing. Allele origin: germline.
Comment: In summary, the available evidence is currently insufficient to determine the role of this variant in disease. Therefore, it has been classified as a Variant of Uncertain Significance. Algorithms developed to predict the effect of missense changes on protein structure and function are either unavailable or do not agree on the potential impact of this missense change (SIFT: "Deleterious"; PolyPhen-2: "Benign"; Align-GVGD: "Class C0"). This variant has not been reported in the literature in individuals affected with RET-related conditions. This variant is not present in population databases (gnomAD no frequency). This sequence change replaces phenylalanine, which is neutral and non-polar, with valine, which is neutral and non-polar, at codon 646 of the RET protein (p.Phe646Val).

NM_020975.6(RET):c.1936T>G (p.Phe646Val)

Gene: RET (ret proto-oncogene; plus strand). Cytogenetic location: 10q11.21.
Variant type: single nucleotide variant.
Coding change: c.1936T>G on transcript NM_020975.6 (MANE Select); coding-DNA position 1936, T replaced by G.
Protein change: p.Phe646Val; replaces phenylalanine 646 with valine.
Molecular consequence: missense variant.
Genome position (GRCh38, 1-based): chr10:43,114,536, T>G. VCF-style: chr10-43114536-T-G. GRCh37 (hg19) VCF-style: chr10-43609984-T-G.
Other names: c.1936T>G, p.Phe646Val (NM_000323.2, NM_001406743.1, NM_001406744.1 and 4 more transcripts); c.1174T>G, p.Phe392Val (NM_001355216.2); c.1807T>G, p.Phe603Val (NM_001406761.1, NM_001406762.1, NM_001406764.1); c.1210T>G, p.Phe404Val (NM_001406777.1, NM_001406778.1, NM_001406775.1 and 1 more transcripts); c.1039T>G, p.Phe347Val (NM_001406779.1, NM_001406780.1, NM_001406781.1 and 1 more transcripts); c.910T>G, p.Phe304Val (NM_001406783.1, NM_001406786.1); c.946T>G, p.Phe316Val (NM_001406784.1); c.919T>G, p.Phe307Val (NM_001406785.1); and 7 more; short protein forms F163V, F211V, F251V, F304V, F307V, F316V, F347V, F392V.
Identifiers: ClinVar variation 1715209 (VCV001715209.5), dbSNP rs2132846496, ClinGen allele CA376552973.